The following is an entry in ClinVar:

ClinVar aggregate classification (germline): Pathogenic/Likely pathogenic. Review status: criteria provided, multiple submitters, no conflicts (2 of 4 stars). 3 submissions from 3 submitters: Pathogenic (2); Likely pathogenic (1). Last evaluated 2025-04-10.

Conditions:
Mitochondrial DNA depletion syndrome, encephalomyopathic form with methylmalonic aciduria (MTDPS5). Also called: Mitochondrial encephalomyopathy aminoacidopathy; MITOCHONDRIAL DNA DEPLETION SYNDROME, ENCEPHALOMYOPATHIC FORM, WITH OR WITHOUT METHYLMALONIC ACIDURIA, AUTOSOMAL RECESSIVE, SUCLA2-RELATED; Mitochondrial DNA depletion syndrome 5 (encephalomyopathic with or without methylmalonic aciduria); SUCLA2-Related Mitochondrial DNA Depletion Syndrome, Encephalomyopathic Form with Methylmalonic Aciduria. Identifiers: Orphanet 1933, MedGen C5980207, MONDO:0012791, OMIM 612073.
SUCLA2-related disorder. Also called: SUCLA2-related condition.

Allele frequency attached by ClinVar (database versions not stated): TOPMed 0.00001; gnomAD exomes 0.00005; ExAC 0.00012; gnomAD 0.00013.
gnomAD v4.1: 89 of 1,613,810 alleles (0.0055%); highest among the groups gnomAD compares: Admixed American, 0.0017%; no homozygotes.

Submissions (3):

Labcorp Genetics (formerly Invitae), Labcorp
Classification: Pathogenic for Mitochondrial DNA depletion syndrome, encephalomyopathic form with methylmalonic aciduria. Last evaluated: 2025-04-10. Review status: criteria provided, single submitter. Criteria: Invitae Variant Classification Sherloc (09022015). Collection method: clinical testing. Allele origin: germline.
Comment: This sequence change replaces aspartic acid, which is acidic and polar, with glycine, which is neutral and non-polar, at codon 333 of the SUCLA2 protein (p.Asp333Gly). This variant is present in population databases (rs140963290, gnomAD 0.09%). This missense change has been observed in individual(s) with SUCLA2-related conditions (PMID: 24986829, 26475597). In at least one individual the data is consistent with being in trans (on the opposite chromosome) from a pathogenic variant. ClinVar contains an entry for this variant (Variation ID: 2137491). Invitae Evidence Modeling of protein sequence and biophysical properties (such as structural, functional, and spatial information, amino acid conservation, physicochemical variation, residue mobility, and thermodynamic stability) indicates that this missense variant is expected to disrupt SUCLA2 protein function with a positive predictive value of 80%. For these reasons, this variant has been classified as Pathogenic.

Blueprint Genetics
Classification: Pathogenic for SUCLA2-related disorders. Last evaluated: 2024-09-12. Review status: criteria provided, single submitter. Criteria: ACMG Guidelines, 2015. Collection method: clinical testing. Allele origin: germline. Affected: yes. Observed: 5 variant alleles.

Centre for Inherited Metabolic Diseases, Karolinska University Hospital
Classification: Likely pathogenic for Mitochondrial DNA depletion syndrome, encephalomyopathic form with methylmalonic aciduria. Review status: criteria provided, single submitter. Criteria: ACMG Guidelines, 2015. Collection method: clinical testing. Allele origin: germline. Inheritance: Autosomal recessive inheritance. Affected: yes. Observed: 1 homozygote.

Literature cited by the submitters: PubMed 24986829 (cited by Labcorp Genetics (formerly Invitae), Labcorp); PubMed 26475597 (cited by Labcorp Genetics (formerly Invitae), Labcorp).

NM_003850.3(SUCLA2):c.998A>G (p.Asp333Gly)

Gene: SUCLA2 (succinate-CoA ligase ADP-forming subunit beta; minus strand). Cytogenetic location: 13q14.2.
Variant type: single nucleotide variant.
Coding change: c.998A>G on transcript NM_003850.3 (MANE Select); coding-DNA position 998, A replaced by G.
Protein change: p.Asp333Gly; replaces aspartic acid 333 with glycine.
Molecular consequence: missense variant.
Genome position (GRCh38, 1-based): chr13:47,954,249, T>C on the plus strand (A>G on the coding strand, the complement: SUCLA2 is on the minus strand). VCF-style: chr13-47954249-T-C. GRCh37 (hg19) VCF-style: chr13-48528384-T-C.
Other names: short protein forms D333G.
Identifiers: ClinVar variation 2137491 (VCV002137491.7), dbSNP rs140963290, ClinGen allele CA6977859.